The following is an entry in ClinVar:

ClinVar aggregate classification (germline): Likely pathogenic (1 of 4 stars; one submission).

Submission:

GeneDx
Classification: Likely pathogenic. Last evaluated: 2015-12-28. Review status: criteria provided, single submitter. Criteria: GeneDx Variant Classification (06012015). Collection method: clinical testing. Allele origin: germline. Affected: yes.
Comment: The ATM protein is a member of the phosphatidylinositol 3-kinase family of proteins that respond toDNA damage by phosphorylating key substrates involved in DNA repair and/or cell cycle control(MIM:607585). Heterozygous pathogenic variants in the ATM gene have been estimated to increasethe relative risk of female breast cancer about 2-fold over the general population, resulting in alifetime risk of approximately 25-30% (Thompson et al., 2005; Renwick 2006). Homozygous orcompound heterozygous pathogenic variants in the ATM gene are associated with ataxia-telangiectasia(A-T), an autosomal recessive multisystem disorder characterized by progressive neurodegeneration,telangiectasias, immunodeficiency and increased risk of cancers, particularly for leukemia andlymphoma (MIM:208900; Gatti, 2010). Individuals with A-T are also unusually sensitive to ionizingradiation (Gatti, 2010). Although symptom onset for A-T typically occurs in childhood, milderadult-onset variant forms of A-T have been reported in individuals with identified homozygous orcompound heterozygous pathogenic variants in ATM (McConville et al., 1996; Verhagen et al., 2009;Saunders-Pullman et al., 2012).

NM_000051.4(ATM):c.2080_2081del (p.Leu694fs)

Gene: ATM (ATM serine/threonine kinase; plus strand). Cytogenetic location: 11q22.3.
Variant type: Deletion.
Coding change: c.2080_2081del on transcript NM_000051.4 (MANE Select); coding-DNA positions 2080 to 2081, 2 bases deleted (CT; older notation c.2080_2081delCT).
Protein change: p.Leu694fs; shifts the reading frame from leucine 694.
Molecular consequence: frameshift variant.
Genome position (GRCh38, 1-based): chr11:108,253,995-108,253,996, CT deleted; deleting any 2 consecutive bases within chr11:108,253,994-108,253,996 gives the same sequence; the c. name uses the placement nearest the transcript's 3' end. VCF-style (leftmost placement, unchanged base first): chr11-108253993-GTC-G. GRCh37 (hg19) VCF-style: chr11-108124720-GTC-G.
Other names: c.2080_2081del, p.Leu694fs (NM_001351834.2); c.2080_2081delCT (NM_000051.3); short protein forms L694fs.
Identifiers: ClinVar variation 265512 (VCV000265512.2), dbSNP rs886039591, ClinGen allele CA10588492.